The following is an entry in ClinVar:

ClinVar aggregate classification (germline): Uncertain significance (1 of 4 stars; one submission).

Conditions:
Primary ciliary dyskinesia. Also called: Ciliary dyskinesia. Identifiers: Orphanet 244, MedGen C0008780, MONDO:0016575, HP:0012265.

gnomAD v4.1: 3 of 1,614,128 alleles (0.00019%); highest among the groups gnomAD compares: Admixed American, 0.005%; no homozygotes.

Submission:

Labcorp Genetics (formerly Invitae), Labcorp
Classification: Uncertain significance for Primary ciliary dyskinesia. Last evaluated: 2024-08-05. Review status: criteria provided, single submitter. Criteria: Invitae Variant Classification Sherloc (09022015). Collection method: clinical testing. Allele origin: germline.
Comment: This sequence change replaces methionine, which is neutral and non-polar, with isoleucine, which is neutral and non-polar, at codon 2680 of the DNAH5 protein (p.Met2680Ile). This variant is present in population databases (rs746206535, gnomAD 0.003%). This variant has not been reported in the literature in individuals affected with DNAH5-related conditions. Advanced modeling of protein sequence and biophysical properties (such as structural, functional, and spatial information, amino acid conservation, physicochemical variation, residue mobility, and thermodynamic stability) performed at Invitae indicates that this missense variant is not expected to disrupt DNAH5 protein function with a negative predictive value of 95%. In summary, the available evidence is currently insufficient to determine the role of this variant in disease. Therefore, it has been classified as a Variant of Uncertain Significance.

NM_001369.3(DNAH5):c.8040G>C (p.Met2680Ile)

Gene: DNAH5 (dynein axonemal heavy chain 5; minus strand). Cytogenetic location: 5p15.2.
Variant type: single nucleotide variant.
Coding change: c.8040G>C on transcript NM_001369.3 (MANE Select); coding-DNA position 8040, G replaced by C.
Protein change: p.Met2680Ile; replaces methionine 2680 with isoleucine.
Molecular consequence: missense variant.
Genome position (GRCh38, 1-based): chr5:13,793,699, C>G on the plus strand (G>C on the coding strand, the complement: DNAH5 is on the minus strand). VCF-style: chr5-13793699-C-G. GRCh37 (hg19) VCF-style: chr5-13793808-C-G.
Other names: short protein forms M2680I.
Identifiers: ClinVar variation 3605825 (VCV003605825.1).